The following is an entry in ClinVar:

ClinVar aggregate classification (germline): Uncertain significance (1 of 4 stars; one submission).

Conditions:
Kabuki syndrome. Also called: NIIKAWA-KUROKI SYNDROME; Kabuki make-up syndrome. Identifiers: Orphanet 2322, MedGen C0796004, MONDO:0016512.

Submission:

Labcorp Genetics (formerly Invitae), Labcorp
Classification: Uncertain significance for Kabuki syndrome. Last evaluated: 2024-01-08. Review status: criteria provided, single submitter. Criteria: Invitae Variant Classification Sherloc (09022015). Collection method: clinical testing. Allele origin: germline.
Comment: This sequence change replaces glutamine, which is neutral and polar, with arginine, which is basic and polar, at codon 3877 of the KMT2D protein (p.Gln3877Arg). This variant is not present in population databases (gnomAD no frequency). This variant has not been reported in the literature in individuals affected with KMT2D-related conditions. Advanced modeling of protein sequence and biophysical properties (such as structural, functional, and spatial information, amino acid conservation, physicochemical variation, residue mobility, and thermodynamic stability) performed at Invitae indicates that this missense variant is not expected to disrupt KMT2D protein function with a negative predictive value of 95%. In summary, the available evidence is currently insufficient to determine the role of this variant in disease. Therefore, it has been classified as a Variant of Uncertain Significance.

NM_003482.4(KMT2D):c.11630A>G (p.Gln3877Arg)

Gene: KMT2D (lysine methyltransferase 2D; minus strand). Cytogenetic location: 12q13.12.
Variant type: single nucleotide variant.
Coding change: c.11630A>G on transcript NM_003482.4 (MANE Select); coding-DNA position 11630, A replaced by G.
Protein change: p.Gln3877Arg; replaces glutamine 3877 with arginine.
Molecular consequence: missense variant.
Genome position (GRCh38, 1-based): chr12:49,033,075, T>C on the plus strand (A>G on the coding strand, the complement: KMT2D is on the minus strand). VCF-style: chr12-49033075-T-C. GRCh37 (hg19) VCF-style: chr12-49426858-T-C.
Other names: short protein forms Q3877R.
Identifiers: ClinVar variation 2756714 (VCV002756714.3), dbSNP rs2498362039, ClinGen allele CA384717096.